The following is an entry in ClinVar:

NM_002230.4(JUP):c.1817G>A (p.Gly606Glu)

Gene: JUP (junction plakoglobin; minus strand). Cytogenetic location: 17q21.2.
Variant type: single nucleotide variant.
Coding change: c.1817G>A on transcript NM_002230.4 (MANE Select); coding-DNA position 1817, G replaced by A.
Protein change: p.Gly606Glu; replaces glycine 606 with glutamic acid.
Molecular consequence: missense variant.
Genome position (GRCh38, 1-based): chr17:41,757,741, C>T on the plus strand (G>A on the coding strand, the complement: JUP is on the minus strand). VCF-style: chr17-41757741-C-T. GRCh37 (hg19) VCF-style: chr17-39913993-C-T.
Other names: c.1817G>A, p.Gly606Glu (NM_001352773.2, NM_001352774.2, NM_001352775.2 and 3 more transcripts); short protein forms G606E.
Identifiers: ClinVar variation 1780691 (VCV001780691.3), dbSNP rs2544038213, ClinGen allele CA399492527.

ClinVar aggregate classification (germline): Uncertain significance. Review status: criteria provided, multiple submitters, no conflicts (2 of 4 stars). 2 submissions from 2 submitters: Uncertain significance (2). Last evaluated 2025-11-23.

Conditions:
Naxos disease (NXD). Also called: KERATOSIS PALMOPLANTARIS WITH ARRHYTHMOGENIC CARDIOMYOPATHY; MAL DE NAXOS; PALMOPLANTAR KERATODERMA WITH ARRHYTHMOGENIC RIGHT VENTRICULAR CARDIOMYOPATHY AND WOOLLY HAIR; WOOLLY HAIR, PALMOPLANTAR KERATODERMA, AND CARDIAC ABNORMALITIES; CARDIOMYOPATHY, ARRHYTHMOGENIC RIGHT VENTRICULAR, WITH SKIN, HAIR, AND NAIL ABNORMALITIES. Identifiers: Orphanet 34217, MedGen C1832600, MONDO:0011017, OMIM 601214.
Arrhythmogenic right ventricular dysplasia 12. Also called: ARRHYTHMOGENIC RIGHT VENTRICULAR DYSPLASIA, FAMILIAL, 12. Identifiers: MedGen C1969081, MONDO:0012684, OMIM 611528.
Cardiovascular phenotype. Identifiers: MedGen CN230736.

Allele frequency attached by ClinVar (database versions not stated): gnomAD exomes below 0.00001.
gnomAD v4.1: 1 of 1,612,800 alleles (0.000062%); highest among the groups gnomAD compares: Non-Finnish European, 0.000085%; no homozygotes.

Submissions (2):

Labcorp Genetics (formerly Invitae), Labcorp
Classification: Uncertain significance for Arrhythmogenic right ventricular dysplasia 12; Naxos disease. Last evaluated: 2025-11-23. Review status: criteria provided, single submitter. Criteria: Invitae Variant Classification Sherloc (09022015). Collection method: clinical testing. Allele origin: germline.
Comment: This sequence change replaces glycine, which is neutral and non-polar, with glutamic acid, which is acidic and polar, at codon 606 of the JUP protein (p.Gly606Glu). This variant is not present in population databases (gnomAD no frequency). This variant has not been reported in the literature in individuals affected with JUP-related conditions. ClinVar contains an entry for this variant (Variation ID: 1780691). An algorithm developed to predict the effect of missense changes on protein structure and function (PolyPhen-2) suggests that this variant is likely to be disruptive. In summary, the available evidence is currently insufficient to determine the role of this variant in disease. Therefore, it has been classified as a Variant of Uncertain Significance.

Ambry Genetics
Classification: Uncertain significance for Cardiovascular phenotype. Last evaluated: 2021-11-18. Review status: criteria provided, single submitter. Criteria: Ambry Variant Classification Scheme 2023. Collection method: clinical testing. Allele origin: germline.
Comment: The p.G606E variant (also known as c.1817G>A), located in coding exon 10 of the JUP gene, results from a G to A substitution at nucleotide position 1817. The glycine at codon 606 is replaced by glutamic acid, an amino acid with similar properties. This amino acid position is conserved. In addition, the in silico prediction for this alteration is inconclusive. Since supporting evidence is limited at this time, the clinical significance of this alteration remains unclear.